The following is an entry in ClinVar:

ClinVar aggregate classification (germline): Likely benign. Review status: criteria provided, multiple submitters, no conflicts (2 of 4 stars). 15 submissions from 13 submitters: Likely benign (12). 3 of the submissions do not count toward it. Last evaluated 2025-12-07.

Conditions:
Hypertrophic cardiomyopathy 2. Also called: TNNT2-Related Familial Hypertrophic Cardiomyopathy. Identifiers: MedGen C1861864, MONDO:0007266, OMIM 115195.
Cardiomyopathy, familial restrictive, 3. Identifiers: Orphanet 75249, MedGen C2676271, MONDO:0012900, OMIM 612422.
Dilated cardiomyopathy 1D. Identifiers: Orphanet 154, Orphanet 54260, MedGen C1832243, MONDO:0011095, OMIM 601494.
TNNT2-related disorder. Also called: TNNT2-related condition.
Cardiovascular phenotype. Identifiers: MedGen CN230736.
Cardiomyopathy (CMYO). Also called: Cardiomyopathies. Identifiers: Orphanet 167848, MedGen C0878544, MONDO:0004994, HP:0001638. Inheritance: Various modes of inheritance.

Allele frequency attached by ClinVar (database versions not stated): gnomAD 0.00001; TOPMed 0.00002; gnomAD exomes 0.00004 and 0.00005; ExAC 0.00005; 1000 Genomes Project 0.00020; 1000 Genomes Project 30x 0.00031.
gnomAD v4.1: 66 of 1,613,306 alleles (0.0041%); highest among the groups gnomAD compares: Non-Finnish European, 0.0053%; no homozygotes.

Submissions (15):

Labcorp Genetics (formerly Invitae), Labcorp
Classification: Likely benign for Cardiomyopathy, familial restrictive, 3; Hypertrophic cardiomyopathy 2; Dilated cardiomyopathy 1D. Last evaluated: 2025-12-07. Review status: criteria provided, single submitter. Criteria: Invitae Variant Classification Sherloc (09022015). Collection method: clinical testing. Allele origin: germline.

PreventionGenetics, part of Exact Sciences
Classification: Likely benign for TNNT2-related condition. Last evaluated: 2025-10-29. Review status: criteria provided, single submitter. Criteria: ACMG Guidelines, 2015. Collection method: clinical testing. Allele origin: germline.
Comment: This variant is classified as likely benign based on ACMG/AMP sequence variant interpretation guidelines (Richards et al. 2015 PMID: 25741868, with internal and published modifications).

All of Us Research Program, National Institutes of Health
Classification: Likely benign for Cardiomyopathy. Last evaluated: 2023-11-28. Review status: criteria provided, single submitter. Criteria: ACMG Guidelines, 2015. Collection method: clinical testing. Allele origin: germline. Inheritance: Autosomal dominant inheritance. Observed: 15 variant alleles, 15 heterozygotes.
Comment: This study involves interpretation of variants in research participants for the purpose of population health screening. Participant phenotype was not available at the time of variant classification. Additional details can be found in publication PMID: 35346344, PMCID: PMC8962531

Genome-Nilou Lab
Classification: Likely benign for Dilated cardiomyopathy 1D. Last evaluated: 2023-04-11. Review status: criteria provided, single submitter. Criteria: ACMG Guidelines, 2015. Collection method: clinical testing. Allele origin: germline. Affected: no.

Genome-Nilou Lab
Classification: Likely benign for Cardiomyopathy, familial restrictive, 3. Last evaluated: 2023-04-11. Review status: criteria provided, single submitter. Criteria: ACMG Guidelines, 2015. Collection method: clinical testing. Allele origin: germline. Affected: no.

Genome-Nilou Lab
Classification: Likely benign for Hypertrophic cardiomyopathy 2. Last evaluated: 2023-04-11. Review status: criteria provided, single submitter. Criteria: ACMG Guidelines, 2015. Collection method: clinical testing. Allele origin: germline. Affected: no.

CHEO Genetics Diagnostic Laboratory, Children's Hospital of Eastern Ontario
Classification: Likely benign for Cardiomyopathy. Last evaluated: 2023-01-10. Review status: criteria provided, single submitter. Criteria: ACMG Guidelines, 2015. Collection method: clinical testing. Allele origin: germline.

Fulgent Genetics
Classification: Likely benign for Hypertrophic cardiomyopathy 2; Dilated cardiomyopathy 1D; Cardiomyopathy, familial restrictive, 3. Last evaluated: 2021-09-22. Review status: criteria provided, single submitter. Criteria: ACMG Guidelines, 2015. Collection method: clinical testing. Allele origin: unknown.

Ambry Genetics
Classification: Likely benign for Cardiovascular phenotype. Last evaluated: 2019-08-16. Review status: criteria provided, single submitter. Criteria: Ambry Variant Classification Scheme 2023. Collection method: clinical testing. Allele origin: germline.

Color Diagnostics, LLC DBA Color Health
Classification: Likely benign for Cardiomyopathy. Last evaluated: 2019-01-06. Review status: criteria provided, single submitter. Criteria: ACMG Guidelines, 2015. Collection method: clinical testing. Allele origin: germline.

GeneDx
Classification: Likely benign. Last evaluated: 2018-11-30. Review status: criteria provided, single submitter. Criteria: GeneDx Variant Classification Process June 2021. Collection method: clinical testing. Allele origin: germline. Affected: yes.

Breakthrough Genomics
Classification: Likely benign. Review status: criteria provided, single submitter. Criteria: ACMG Guidelines, 2015. Collection method: not provided. Allele origin: germline. Inheritance: Autosomal dominant inheritance. Affected: yes.

Clinical Genetics DNA and cytogenetics Diagnostics Lab, Erasmus MC, Erasmus Medical Center
Classification: Likely benign. Review status: no assertion criteria provided. Collection method: clinical testing. Allele origin: germline. Affected: yes. Study: VKGL Data-share Consensus. Not counted in ClinVar's aggregate classification.

Clinical Genetics, Academic Medical Center
Classification: Benign. Review status: no assertion criteria provided. Collection method: clinical testing. Allele origin: germline. Affected: yes. Study: VKGL Data-share Consensus. Not counted in ClinVar's aggregate classification.

Joint Genome Diagnostic Labs from Nijmegen and Maastricht, Radboudumc and MUMC+
Classification: Benign. Review status: no assertion criteria provided. Collection method: clinical testing. Allele origin: germline. Affected: yes. Study: VKGL Data-share Consensus. Not counted in ClinVar's aggregate classification.

NM_001276345.2(TNNT2):c.450C>T (p.Ile150=)

Gene: TNNT2 (troponin T2, cardiac type; minus strand). Cytogenetic location: 1q32.1.
Variant type: single nucleotide variant.
Coding change: c.450C>T on transcript NM_001276345.2 (MANE Select); coding-DNA position 450, C replaced by T.
Protein change: p.Ile150=; no amino-acid change (isoleucine 150 retained).
Molecular consequence: synonymous variant.
Genome position (GRCh38, 1-based): chr1:201,364,337, G>A on the plus strand (C>T on the coding strand, the complement: TNNT2 is on the minus strand). VCF-style: chr1-201364337-G-A. GRCh37 (hg19) VCF-style: chr1-201333465-G-A.
Other names: c.450C>T, p.Ile150= (NM_000364.4); c.420C>T, p.Ile140= (NM_001001430.3, NM_001001431.3, NM_001276347.2); c.405C>T, p.Ile135= (NM_001001432.3); c.330C>T, p.Ile110= (NM_001276346.2).
Identifiers: ClinVar variation 516901 (VCV000516901.26), dbSNP rs200604266, ClinGen allele CA088599.
Genomic context (GRCh38, chr1:201,364,337, plus strand): 5'-CCTGGGCTAGGGGTCACTCACAGCCAGGCGGTTCTGCCGCTCCTTCTCCCGCTCATTCCG[G>A]ATGCGCTGCTGCTCGGCCCGCTCTGCCCGACGTCTCTCCTAAGGAGAAGAGGCAAAGCCC-3'
Protein context (NP_001263274.1, residues 140-160): RRAERAEQQR[Ile150=]RNEREKERQN